The following is an entry in ClinVar:

ClinVar aggregate classification (germline): Uncertain significance (1 of 4 stars; one submission).

Allele frequency attached by ClinVar (database versions not stated): TOPMed below 0.00001; gnomAD 0.00001.
gnomAD v4.1: 5 of 1,613,932 alleles (0.00031%); highest among the groups gnomAD compares: Admixed American, 0.0033%; no homozygotes.

Submission:

Labcorp Genetics (formerly Invitae), Labcorp
Classification: Uncertain significance. Last evaluated: 2022-07-19. Review status: criteria provided, single submitter. Criteria: Invitae Variant Classification Sherloc (09022015). Collection method: clinical testing. Allele origin: germline.
Comment: This sequence change replaces serine, which is neutral and polar, with cysteine, which is neutral and slightly polar, at codon 46 of the TYRP1 protein (p.Ser46Cys). This variant is present in population databases (no rsID available, gnomAD no frequency). This variant has not been reported in the literature in individuals affected with TYRP1-related conditions. ClinVar contains an entry for this variant (Variation ID: 1505762). Algorithms developed to predict the effect of missense changes on protein structure and function are either unavailable or do not agree on the potential impact of this missense change (SIFT: "Tolerated"; PolyPhen-2: "Possibly Damaging"; Align-GVGD: "Class C0"). In summary, the available evidence is currently insufficient to determine the role of this variant in disease. Therefore, it has been classified as a Variant of Uncertain Significance.

NM_000550.3(TYRP1):c.137C>G (p.Ser46Cys)

Gene: TYRP1 (tyrosinase related protein 1; plus strand). Cytogenetic location: 9p23.
Variant type: single nucleotide variant.
Coding change: c.137C>G on transcript NM_000550.3 (MANE Select); coding-DNA position 137, C replaced by G.
Protein change: p.Ser46Cys; replaces serine 46 with cysteine.
Molecular consequence: missense variant.
Genome position (GRCh38, 1-based): chr9:12,694,133, C>G. VCF-style: chr9-12694133-C-G. GRCh37 (hg19) VCF-style: chr9-12694133-C-G.
Other names: short protein forms S46C.
Identifiers: ClinVar variation 1505762 (VCV001505762.3), dbSNP rs761049226, ClinGen allele CA372936241.